The following is an entry in ClinVar:

ClinVar aggregate classification (germline): Uncertain significance (1 of 4 stars; one submission).

Conditions:
Norman-Roberts syndrome (LIS2). Also called: Lissencephaly 2 (Norman-Roberts type). Identifiers: Orphanet 89844, MedGen C0796089, MONDO:0009760, OMIM 257320.
Familial temporal lobe epilepsy 7. Identifiers: Orphanet 101046, MedGen C4225327, MONDO:0014639, OMIM 616436.

gnomAD v4.1: 21 of 1,613,412 alleles (0.0013%); highest among the groups gnomAD compares: Non-Finnish European, 0.0016%; no homozygotes.

Submission:

Labcorp Genetics (formerly Invitae), Labcorp
Classification: Uncertain significance for Familial temporal lobe epilepsy 7; Norman-Roberts syndrome. Last evaluated: 2026-01-12. Review status: criteria provided, single submitter. Criteria: Invitae Variant Classification Sherloc (09022015). Collection method: clinical testing. Allele origin: germline.
Comment: This sequence change replaces threonine, which is neutral and polar, with isoleucine, which is neutral and non-polar, at codon 1837 of the RELN protein (p.Thr1837Ile). This variant is present in population databases (rs763431842, gnomAD 0.0009%). This variant has not been reported in the literature in individuals affected with RELN-related conditions. Invitae Evidence Modeling of protein sequence and biophysical properties (such as structural, functional, and spatial information, amino acid conservation, physicochemical variation, residue mobility, and thermodynamic stability) indicates that this missense variant is not expected to disrupt RELN protein function with a negative predictive value of 80%. In summary, the available evidence is currently insufficient to determine the role of this variant in disease. Therefore, it has been classified as a Variant of Uncertain Significance.

NM_005045.4(RELN):c.5510C>T (p.Thr1837Ile)

Gene: RELN (reelin; minus strand). Cytogenetic location: 7q22.1.
Variant type: single nucleotide variant.
Coding change: c.5510C>T on transcript NM_005045.4 (MANE Select); coding-DNA position 5510, C replaced by T.
Protein change: p.Thr1837Ile; replaces threonine 1837 with isoleucine.
Molecular consequence: missense variant.
Genome position (GRCh38, 1-based): chr7:103,561,551, G>A on the plus strand (C>T on the coding strand, the complement: RELN is on the minus strand). VCF-style: chr7-103561551-G-A. GRCh37 (hg19) VCF-style: chr7-103201998-G-A.
Other names: c.5510C>T, p.Thr1837Ile (NM_173054.3); short protein forms T1837I.
Identifiers: ClinVar variation 4782726 (VCV004782726.1).